The following is an entry in ClinVar:

ClinVar aggregate classification (germline): Uncertain significance. Review status: criteria provided, multiple submitters, no conflicts (2 of 4 stars). 2 submissions from 2 submitters: Uncertain significance (2). Last evaluated 2026-06-09.

Conditions:
Hypertrophic cardiomyopathy. Also called: HYPERTROPHIC MYOCARDIOPATHY. Identifiers: Orphanet 217569, MedGen C0007194, MeSH D002312, MONDO:0005045, HP:0001639.

Allele frequency attached by ClinVar (database versions not stated): gnomAD exomes 0.00001 and 0.00002; TOPMed 0.00002; gnomAD 0.00001.
gnomAD v4.1: 25 of 1,613,528 alleles (0.0015%); highest among the groups gnomAD compares: Non-Finnish European, 0.0019%; no homozygotes.

Submissions (2):

Ambry Genetics
Classification: Uncertain significance. Last evaluated: 2026-06-09. Review status: criteria provided, single submitter. Criteria: Ambry Variant Classification Scheme 2023. Collection method: clinical testing. Allele origin: germline.
Comment: The p.R568C variant (also known as c.1702C>T), located in coding exon 11 of the MYOM1 gene, results from a C to T substitution at nucleotide position 1702. The arginine at codon 568 is replaced by cysteine, an amino acid with highly dissimilar properties. This amino acid position is conserved. In addition, this alteration is predicted to be deleterious by in silico analysis. Based on the available evidence, the clinical significance of this variant remains unclear.

Labcorp Genetics (formerly Invitae), Labcorp
Classification: Uncertain significance for Hypertrophic cardiomyopathy. Last evaluated: 2022-09-27. Review status: criteria provided, single submitter. Criteria: Invitae Variant Classification Sherloc (09022015). Collection method: clinical testing. Allele origin: germline.
Comment: This sequence change replaces arginine, which is basic and polar, with cysteine, which is neutral and slightly polar, at codon 568 of the MYOM1 protein (p.Arg568Cys). In summary, the available evidence is currently insufficient to determine the role of this variant in disease. Therefore, it has been classified as a Variant of Uncertain Significance. Advanced modeling of protein sequence and biophysical properties (such as structural, functional, and spatial information, amino acid conservation, physicochemical variation, residue mobility, and thermodynamic stability) has been performed at Invitae for this missense variant, however the output from this modeling did not meet the statistical confidence thresholds required to predict the impact of this variant on MYOM1 protein function. ClinVar contains an entry for this variant (Variation ID: 658748). This variant has not been reported in the literature in individuals affected with MYOM1-related conditions. This variant is present in population databases (no rsID available, gnomAD 0.003%).

NM_003803.4(MYOM1):c.1702C>T (p.Arg568Cys)

Gene: MYOM1 (myomesin 1; minus strand). Cytogenetic location: 18p11.31.
Variant type: single nucleotide variant.
Coding change: c.1702C>T on transcript NM_003803.4 (MANE Select); coding-DNA position 1702, C replaced by T.
Protein change: p.Arg568Cys; replaces arginine 568 with cysteine.
Molecular consequence: missense variant.
Genome position (GRCh38, 1-based): chr18:3,151,835, G>A on the plus strand (C>T on the coding strand, the complement: MYOM1 is on the minus strand). VCF-style: chr18-3151835-G-A. GRCh37 (hg19) VCF-style: chr18-3151833-G-A.
Other names: c.1702C>T, p.Arg568Cys (NM_019856.2); short protein forms R568C.
Identifiers: ClinVar variation 658748 (VCV000658748.9), dbSNP rs1027670115, ClinGen allele CA295530901.